The following is an entry in ClinVar:

NM_000632.4(ITGAM):c.2105C>T (p.Thr702Ile)

Gene: ITGAM (integrin subunit alpha M; plus strand). Cytogenetic location: 16p11.2.
Variant type: single nucleotide variant.
Coding change: c.2105C>T on transcript NM_000632.4 (MANE Select); coding-DNA position 2105, C replaced by T.
Protein change: p.Thr702Ile; replaces threonine 702 with isoleucine.
Molecular consequence: missense variant.
Genome position (GRCh38, 1-based): chr16:31,324,501, C>T. VCF-style: chr16-31324501-C-T. GRCh37 (hg19) VCF-style: chr16-31335822-C-T.
Other names: c.2105C>T (NM_000632.3); c.2108C>T, p.Thr703Ile (NM_001145808.2); short protein forms T702I, T703I.
Identifiers: ClinVar variation 1906949 (VCV001906949.6), dbSNP rs1429636817, ClinGen allele CA395687332.
Genomic context (GRCh38, chr16:31,324,501, plus strand): 5'-CCGGCCGCCCACATTCCCGCGCCGTCTTCAATGAGACAAAGAACAGCACACGCAGACAGA[C>T]ACAGGTCTTGGGGCTGACCCAGACTTGTGAGACCCTGAAACTACAGTTGCCGGTGAGCAG-3'
Protein context (NP_000623.2, residues 692-712): NETKNSTRRQ[Thr702Ile]QVLGLTQTCE

ClinVar aggregate classification (germline): Uncertain significance. Review status: criteria provided, multiple submitters, no conflicts (2 of 4 stars). 2 submissions from 2 submitters: Uncertain significance (2). Last evaluated 2024-06-26.

Allele frequency attached by ClinVar (database versions not stated): gnomAD exomes 0.00001; TOPMed 0.00001.
gnomAD v4.1: 9 of 1,602,238 alleles (0.00056%); highest among the groups gnomAD compares: Non-Finnish European, 0.00077%; no homozygotes.

Submissions (2):

Ambry Genetics
Classification: Uncertain significance. Last evaluated: 2024-06-26. Review status: criteria provided, single submitter. Criteria: Ambry Variant Classification Scheme 2023. Collection method: clinical testing. Allele origin: germline.

Labcorp Genetics (formerly Invitae), Labcorp
Classification: Uncertain significance. Last evaluated: 2022-11-01. Review status: criteria provided, single submitter. Criteria: Invitae Variant Classification Sherloc (09022015). Collection method: clinical testing. Allele origin: germline.
Comment: This sequence change replaces threonine, which is neutral and polar, with isoleucine, which is neutral and non-polar, at codon 702 of the ITGAM protein (p.Thr702Ile). The frequency data for this variant in the population databases is considered unreliable, as metrics indicate poor data quality at this position in the gnomAD database. This variant has not been reported in the literature in individuals affected with ITGAM-related conditions. Algorithms developed to predict the effect of missense changes on protein structure and function output the following: SIFT: "Tolerated"; PolyPhen-2: "Benign"; Align-GVGD: "Class C0". The isoleucine amino acid residue is found in multiple mammalian species, which suggests that this missense change does not adversely affect protein function. In summary, the available evidence is currently insufficient to determine the role of this variant in disease. Therefore, it has been classified as a Variant of Uncertain Significance.